The following is an entry in ClinVar:

NM_001374259.2(IL12RB2):c.468G>T (p.Glu156Asp)

Gene: IL12RB2 (interleukin 12 receptor subunit beta 2; plus strand). Cytogenetic location: 1p31.3.
Variant type: single nucleotide variant.
Coding change: c.468G>T on transcript NM_001374259.2 (MANE Select); coding-DNA position 468, G replaced by T.
Protein change: p.Glu156Asp; replaces glutamic acid 156 with aspartic acid.
Molecular consequence: missense variant. On other transcripts: non-coding transcript variant (2).
Genome position (GRCh38, 1-based): chr1:67,326,838, G>T. VCF-style: chr1-67326838-G-T. GRCh37 (hg19) VCF-style: chr1-67792521-G-T.
Other names: c.468G>T, p.Glu156Asp (NM_001258214.1, NM_001258215.1, NM_001258216.1 and 2 more transcripts); short protein forms E156D.
Identifiers: ClinVar variation 2879370 (VCV002879370.3), dbSNP rs757776580, ClinGen allele CA340732048.
Genomic context (GRCh38, chr1:67,326,838, plus strand): 5'-AGAACAGGGGACTGTGGCCTGCACCTGGGAAAGAGGACGAGACACCCACTTATACACTGA[G>T]TATACTCTACAGTGAGTGAGAGGCTGTATTTTTGCAGCTGTTTTGTAGATCTTCTCTTAA-3'
Protein context (NP_001361188.1, residues 146-166): ERGRDTHLYT[Glu156Asp]YTLQLSGPKN

ClinVar aggregate classification (germline): Uncertain significance (1 of 4 stars; one submission).

Submission:

Labcorp Genetics (formerly Invitae), Labcorp
Classification: Uncertain significance. Last evaluated: 2023-08-01. Review status: criteria provided, single submitter. Criteria: Invitae Variant Classification Sherloc (09022015). Collection method: clinical testing. Allele origin: germline.
Comment: This sequence change replaces glutamic acid, which is acidic and polar, with aspartic acid, which is acidic and polar, at codon 156 of the IL12RB2 protein (p.Glu156Asp). In summary, the available evidence is currently insufficient to determine the role of this variant in disease. Therefore, it has been classified as a Variant of Uncertain Significance. This variant is not present in population databases (gnomAD no frequency). This variant has not been reported in the literature in individuals affected with IL12RB2-related conditions. An algorithm developed to predict the effect of missense changes on protein structure and function (PolyPhen-2) suggests that this variant is likely to be tolerated.